The following is an entry in ClinVar:

ClinVar aggregate classification (germline): Pathogenic (1 of 4 stars; one submission).

gnomAD v4.1: 6 of 1,614,032 alleles (0.00037%); highest among the groups gnomAD compares: Non-Finnish European, 0.00051%; no homozygotes.

Submission:

Labcorp Genetics (formerly Invitae), Labcorp
Classification: Pathogenic. Last evaluated: 2024-01-10. Review status: criteria provided, single submitter. Criteria: Invitae Variant Classification Sherloc (09022015). Collection method: clinical testing. Allele origin: germline.
Comment: This sequence change creates a premature translational stop signal (p.Gln719*) in the ABCA12 gene. It is expected to result in an absent or disrupted protein product. Loss-of-function variants in ABCA12 are known to be pathogenic (PMID: 20672373). This variant is present in population databases (no rsID available, gnomAD 0.002%). This variant has not been reported in the literature in individuals affected with ABCA12-related conditions. For these reasons, this variant has been classified as Pathogenic.

Literature cited by the submitters: PubMed 20672373.

NM_173076.3(ABCA12):c.2155C>T (p.Gln719Ter)

Gene: ABCA12 (ATP binding cassette subfamily A member 12; minus strand). Cytogenetic location: 2q35.
Variant type: single nucleotide variant.
Coding change: c.2155C>T on transcript NM_173076.3 (MANE Select); coding-DNA position 2155, C replaced by T.
Protein change: p.Gln719Ter; replaces glutamine 719 with a stop codon.
Molecular consequence: nonsense. On other transcripts: non-coding transcript variant (1).
Genome position (GRCh38, 1-based): chr2:215,011,616, G>A on the plus strand (C>T on the coding strand, the complement: ABCA12 is on the minus strand). VCF-style: chr2-215011616-G-A. GRCh37 (hg19) VCF-style: chr2-215876340-G-A.
Other names: c.1201C>T, p.Gln401Ter (NM_015657.4); short protein forms Q401*, Q719*.
Identifiers: ClinVar variation 2977347 (VCV002977347.3), dbSNP rs1174122105, ClinGen allele CA350483767.